The following is an entry in ClinVar:

NM_001379500.1(COL18A1):c.2823C>A (p.Pro941=)

Genes: COL18A1 (collagen type XVIII alpha 1 chain; plus strand), SLC19A1 (solute carrier family 19 member 1; minus strand). Cytogenetic location: 21q22.3.
Variant type: single nucleotide variant.
Coding change: c.2823C>A on transcript NM_001379500.1 (MANE Select); coding-DNA position 2823, C replaced by A.
Protein change: p.Pro941=; no amino-acid change (proline 941 retained).
Molecular consequence: synonymous variant.
Genome position (GRCh38, 1-based): chr21:45,504,511, C>A. VCF-style: chr21-45504511-C-A. GRCh37 (hg19) VCF-style: chr21-46924425-C-A.
Other names: NM_130445.2:c.2823C>A; c.3363C>A, p.Pro1121= (NM_030582.4); c.4068C>A, p.Pro1356= (NM_130444.3).
Identifiers: ClinVar variation 340259 (VCV000340259.9), dbSNP rs543392161, ClinGen allele CA10644821.
Genomic context (GRCh38, chr21:45,504,511, plus strand): 5'-AGGCGAAAGGGGGGAGCCCGGGGGCGGCGGTTTCTTCGGCTCCAGCCTGCCCGGCCCCCC[C>A]GGCCCCCCAGGCCCCCCAGGCCCACGTGGCTACCCTGGGATTCCAGTAAGTCCCAGCCTG-3'
Protein context (NP_001366429.1, residues 931-951): GFFGSSLPGP[Pro941=]GPPGPPGPRG

ClinVar aggregate classification (germline): Benign/Likely benign. Review status: criteria provided, multiple submitters, no conflicts (2 of 4 stars). 2 submissions from 2 submitters: Benign (1); Likely benign (1). Last evaluated 2022-10-04.

Conditions:
Knobloch syndrome (KNO). Also called: RETINAL DETACHMENT AND OCCIPITAL ENCEPHALOCELE; Myopia retinal detachment encephalocele. Identifiers: Orphanet 1571, MedGen C1849409, MONDO:0800166.

Allele frequency attached by ClinVar (database versions not stated): 1000 Genomes Project 0.00140.

Submissions (3):

Labcorp Genetics (formerly Invitae), Labcorp
Classification: Benign. Last evaluated: 2022-10-04. Review status: criteria provided, single submitter. Criteria: Invitae Variant Classification Sherloc (09022015). Collection method: clinical testing. Allele origin: germline.

Illumina Laboratory Services, Illumina
Classification: Likely benign for Knobloch syndrome 1. Last evaluated: 2018-01-13. Review status: criteria provided, single submitter. Criteria: ICSL Variant Classification Criteria 13 December 2019. Collection method: clinical testing. Allele origin: germline.
Comment: This variant was observed in the ICSL laboratory as part of a predisposition screen in an ostensibly healthy population. It had not been previously curated by ICSL or reported in the Human Gene Mutation Database (HGMD: prior to June 1st, 2018), and was therefore a candidate for classification through an automated scoring system. Utilizing variant allele frequency, disease prevalence and penetrance estimates, and inheritance mode, an automated score was calculated to assess if this variant is too frequent to cause the disease. Based on the score and internal cut-off values, a variant classified as likely benign is not then subjected to further curation. The score for this variant resulted in a classification of likely benign for this disease.

Dr. Peter K. Rogan Lab, Western University
No classification provided (evidence only). Condition: Ovarian serous cystadenocarcinoma. Review status: no classification provided. Collection method: in vitro. Allele origin: not applicable. Functional consequence: retained intron. Not counted in ClinVar's aggregate classification.